The following is an entry in ClinVar:

ClinVar aggregate classification (germline): Uncertain significance (1 of 4 stars; one submission).

Submission:

Labcorp Genetics (formerly Invitae), Labcorp
Classification: Uncertain significance. Last evaluated: 2022-08-23. Review status: criteria provided, single submitter. Criteria: Invitae Variant Classification Sherloc (09022015). Collection method: clinical testing. Allele origin: germline.
Comment: This sequence change replaces serine, which is neutral and polar, with asparagine, which is neutral and polar, at codon 1071 of the TTLL5 protein (p.Ser1071Asn). ClinVar contains an entry for this variant (Variation ID: 954042). In summary, the available evidence is currently insufficient to determine the role of this variant in disease. Therefore, it has been classified as a Variant of Uncertain Significance. Algorithms developed to predict the effect of missense changes on protein structure and function (SIFT, PolyPhen-2, Align-GVGD) all suggest that this variant is likely to be tolerated. This variant has not been reported in the literature in individuals affected with TTLL5-related conditions. This variant is not present in population databases (gnomAD no frequency).

NM_015072.5(TTLL5):c.3212G>A (p.Ser1071Asn)

Gene: TTLL5 (tubulin tyrosine ligase like 5; plus strand). Cytogenetic location: 14q24.3.
Variant type: single nucleotide variant.
Coding change: c.3212G>A on transcript NM_015072.5 (MANE Select); coding-DNA position 3212, G replaced by A.
Protein change: p.Ser1071Asn; replaces serine 1071 with asparagine.
Molecular consequence: missense variant.
Genome position (GRCh38, 1-based): chr14:75,820,047, G>A. VCF-style: chr14-75820047-G-A. GRCh37 (hg19) VCF-style: chr14-76286390-G-A.
Other names: short protein forms S1071N.
Identifiers: ClinVar variation 954042 (VCV000954042.9), dbSNP rs1894738719, ClinGen allele CA390536448.